The following is an entry in ClinVar:

ClinVar aggregate classification (germline): Uncertain significance. Review status: criteria provided, multiple submitters, no conflicts (2 of 4 stars). 3 submissions from 3 submitters: Uncertain significance (3). Last evaluated 2026-02-20.

Allele frequency attached by ClinVar (database versions not stated): TOPMed below 0.00001; gnomAD exomes 0.00001.
gnomAD v4.1: 10 of 1,187,389 alleles (0.00084%); highest among the groups gnomAD compares: South Asian, 0.0019%; no homozygotes.

Submissions (3):

Women's Health and Genetics/Laboratory Corporation of America, LabCorp
Classification: Uncertain significance. Last evaluated: 2026-02-20. Review status: criteria provided, single submitter. Criteria: LabCorp Variant Classification Summary - May 2015. Collection method: clinical testing. Allele origin: germline.
Comment: Variant summary: HUWE1 c.8230T>C (p.Tyr2744His) results in a conservative amino acid change in the encoded protein sequence. Algorithms developed to predict the effect of missense changes on protein structure and function all suggest that this variant is likely to be tolerated. The variant was absent in 156801 control chromosomes. The available data on variant occurrences in the general population are insufficient to allow any conclusion about variant significance. To our knowledge, no occurrence of c.8230T>C in individuals affected with HUWE1-related conditions and no experimental evidence demonstrating its impact on protein function have been reported. ClinVar contains an entry for this variant (Variation ID: 2014162). Based on the evidence outlined above, the variant was classified as uncertain significance.

GeneDx
Classification: Uncertain significance. Last evaluated: 2025-06-29. Review status: criteria provided, single submitter. Criteria: GeneDx Variant Classification Process June 2021. Collection method: clinical testing. Allele origin: germline. Affected: yes.
Comment: Not observed at significant frequency in large population cohorts (gnomAD); In silico analysis suggests that this missense variant does not alter protein structure/function; Has not been previously published as pathogenic or benign to our knowledge

Labcorp Genetics (formerly Invitae), Labcorp
Classification: Uncertain significance. Last evaluated: 2023-08-17. Review status: criteria provided, single submitter. Criteria: Invitae Variant Classification Sherloc (09022015). Collection method: clinical testing. Allele origin: germline.
Comment: This sequence change replaces tyrosine, which is neutral and polar, with histidine, which is basic and polar, at codon 2744 of the HUWE1 protein (p.Tyr2744His). This variant is not present in population databases (gnomAD no frequency). This variant has not been reported in the literature in individuals affected with HUWE1-related conditions. ClinVar contains an entry for this variant (Variation ID: 2014162). Advanced modeling of protein sequence and biophysical properties (such as structural, functional, and spatial information, amino acid conservation, physicochemical variation, residue mobility, and thermodynamic stability) has been performed at Invitae for this missense variant, however the output from this modeling did not meet the statistical confidence thresholds required to predict the impact of this variant on HUWE1 protein function. In summary, the available evidence is currently insufficient to determine the role of this variant in disease. Therefore, it has been classified as a Variant of Uncertain Significance.

NM_031407.7(HUWE1):c.8230T>C (p.Tyr2744His)

Gene: HUWE1 (HECT, UBA and WWE domain containing E3 ubiquitin protein ligase 1; minus strand). Cytogenetic location: Xp11.22.
Variant type: single nucleotide variant.
Coding change: c.8230T>C on transcript NM_031407.7 (MANE Select); coding-DNA position 8230, T replaced by C.
Protein change: p.Tyr2744His; replaces tyrosine 2744 with histidine.
Molecular consequence: missense variant.
Genome position (GRCh38, 1-based): chrX:53,554,897, A>G on the plus strand (T>C on the coding strand, the complement: HUWE1 is on the minus strand). VCF-style: chrX-53554897-A-G. GRCh37 (hg19) VCF-style: chrX-53581858-A-G.
Other names: c.8230T>C (NM_031407.4); short protein forms Y2744H.
Identifiers: ClinVar variation 2014162 (VCV002014162.6), dbSNP rs1436122562, ClinGen allele CA413150300.